The following is an entry in ClinVar:

ClinVar aggregate classification (germline): Uncertain significance. Review status: criteria provided, multiple submitters, no conflicts (2 of 4 stars). 3 submissions from 3 submitters: Uncertain significance (3). Last evaluated 2023-11-27.

Conditions:
Progressive myoclonic epilepsy. Also called: Familial progressive myoclonic epilepsy; Myoclonic Epilepsies, Progressive; Myoclonus epilepsy; Progressive myoclonus epilepsy. Identifiers: Orphanet 308, Orphanet 98261, MedGen C0751778, MONDO:0020074.

Allele frequency attached by ClinVar (database versions not stated): gnomAD 0.00001; gnomAD exomes 0.00003 and 0.00006; ExAC 0.00005.
gnomAD v4.1: 54 of 1,613,994 alleles (0.0033%); highest among the groups gnomAD compares: South Asian, 0.049%; no homozygotes.

Submissions (3):

Labcorp Genetics (formerly Invitae), Labcorp
Classification: Uncertain significance for Progressive myoclonic epilepsy. Last evaluated: 2023-11-27. Review status: criteria provided, single submitter. Criteria: Invitae Variant Classification Sherloc (09022015). Collection method: clinical testing. Allele origin: germline.
Comment: This sequence change replaces asparagine, which is neutral and polar, with serine, which is neutral and polar, at codon 113 of the EPM2A protein (p.Asn113Ser). This variant is present in population databases (rs753867771, gnomAD 0.05%). This variant has not been reported in the literature in individuals affected with EPM2A-related conditions. ClinVar contains an entry for this variant (Variation ID: 1062703). Advanced modeling of protein sequence and biophysical properties (such as structural, functional, and spatial information, amino acid conservation, physicochemical variation, residue mobility, and thermodynamic stability) has been performed at Invitae for this missense variant, however the output from this modeling did not meet the statistical confidence thresholds required to predict the impact of this variant on EPM2A protein function. In summary, the available evidence is currently insufficient to determine the role of this variant in disease. Therefore, it has been classified as a Variant of Uncertain Significance.

GeneDx
Classification: Uncertain significance. Last evaluated: 2020-06-25. Review status: criteria provided, single submitter. Criteria: GeneDx Variant Classification Process June 2021. Collection method: clinical testing. Allele origin: germline. Affected: yes.
Comment: In silico analysis supports that this missense variant does not alter protein structure/function; Has not been previously published as pathogenic or benign to our knowledge

Blueprint Genetics
Classification: Uncertain significance. Last evaluated: 2019-05-07. Review status: criteria provided, single submitter. Criteria: ACMG Guidelines, 2015. Collection method: clinical testing. Allele origin: germline.

NM_005670.4(EPM2A):c.338A>G (p.Asn113Ser)

Gene: EPM2A (EPM2A glucan phosphatase, laforin; minus strand). Cytogenetic location: 6q24.3.
Variant type: single nucleotide variant.
Coding change: c.338A>G on transcript NM_005670.4 (MANE Select); coding-DNA position 338, A replaced by G.
Protein change: p.Asn113Ser; replaces asparagine 113 with serine.
Molecular consequence: missense variant. On other transcripts: 5 prime UTR variant (5), non-coding transcript variant (1).
Genome position (GRCh38, 1-based): chr6:145,686,260, T>C on the plus strand (A>G on the coding strand, the complement: EPM2A is on the minus strand). VCF-style: chr6-145686260-T-C. GRCh37 (hg19) VCF-style: chr6-146007396-T-C.
Other names: c.338A>G, p.Asn113Ser (NM_001018041.2, NM_001360057.2, NM_001368130.1); c.-77A>G (NM_001360064.2, NM_001360071.2, NM_001368131.1); c.-286A>G (NM_001368129.2, NM_001368132.1); short protein forms N113S.
Identifiers: ClinVar variation 1062703 (VCV001062703.11), dbSNP rs753867771, ClinGen allele CA4035184.